The following is an entry in ClinVar:

NM_004364.5(CEBPA):c.734G>A (p.Gly245Asp)

Gene: CEBPA (CCAAT enhancer binding protein alpha; minus strand). Cytogenetic location: 19q13.11.
Variant type: single nucleotide variant.
Coding change: c.734G>A on transcript NM_004364.5 (MANE Select); coding-DNA position 734, G replaced by A.
Protein change: p.Gly245Asp; replaces glycine 245 with aspartic acid.
Molecular consequence: missense variant.
Genome position (GRCh38, 1-based): chr19:33,301,681, C>T on the plus strand (G>A on the coding strand, the complement: CEBPA is on the minus strand). VCF-style: chr19-33301681-C-T. GRCh37 (hg19) VCF-style: chr19-33792587-C-T.
Other names: c.377G>A, p.Gly126Asp (NM_001285829.2); c.839G>A, p.Gly280Asp (NM_001287424.2); c.692G>A, p.Gly231Asp (NM_001287435.2); short protein forms G245D, G126D, G231D, G280D.
Identifiers: ClinVar variation 2045299 (VCV002045299.5), dbSNP rs1189516787, ClinGen allele CA405274323.
Genomic context (GRCh38, chr19:33,301,681, plus strand): 5'-GCGCGGAGGTCGGGGTGCGCGGCGCCCAGCCCCTTGAGCGCGCTGCCAGGGCCCGGCAGG[C>T]CGGCGGCACCGAGCGCGGGCGCGGGGTGCGGGCTGGGCACGGGCGTGGGCGGCGGCGTGG-3'
Protein context (NP_004355.2, residues 235-255): PHPAPALGAA[Gly245Asp]LPGPGSALKG

ClinVar aggregate classification (germline): Conflicting classifications of pathogenicity. Review status: criteria provided, conflicting classifications (1 of 4 stars). 2 submissions from 2 submitters: Uncertain significance (1); Likely benign (1). Last evaluated 2026-07-09.

Conditions:
Inborn genetic diseases. Identifiers: MedGen C0950123, MeSH D030342.
Acute myeloid leukemia (AML). Also called: Acute myeloid leukemia, adult; AML adult; Acute non-lymphocytic leukemia; Acute granulocytic leukemia; Leukemia, acute myeloid, somatic; Leukemia, acute myelogenous, somatic. Identifiers: Orphanet 519, MedGen C0023467, MeSH D015470, MONDO:0018874, OMIM 601626, HP:0004808. Disease mechanism: Constitutively activated FLT3.

Submissions (2):

Ambry Genetics
Classification: Likely benign for Inborn genetic diseases. Last evaluated: 2026-07-09. Review status: criteria provided, single submitter. Criteria: Ambry Variant Classification Scheme 2023. Collection method: clinical testing. Allele origin: germline.

Labcorp Genetics (formerly Invitae), Labcorp
Classification: Uncertain significance for Acute myeloid leukemia. Last evaluated: 2025-11-04. Review status: criteria provided, single submitter. Criteria: Invitae Variant Classification Sherloc (09022015). Collection method: clinical testing. Allele origin: germline.
Comment: This sequence change replaces glycine, which is neutral and non-polar, with aspartic acid, which is acidic and polar, at codon 245 of the CEBPA protein (p.Gly245Asp). This variant is not present in population databases (gnomAD no frequency). This variant has not been reported in the literature in individuals affected with CEBPA-related conditions. ClinVar contains an entry for this variant (Variation ID: 2045299). An algorithm developed to predict the effect of missense changes on protein structure and function (PolyPhen-2) suggests that this variant is likely to be tolerated. In summary, the available evidence is currently insufficient to determine the role of this variant in disease. Therefore, it has been classified as a Variant of Uncertain Significance.